The following is an entry in ClinVar:

NM_001367624.2(ZNF469):c.6461C>T (p.Pro2154Leu)

Gene: ZNF469 (zinc finger protein 469; plus strand). Cytogenetic location: 16q24.2.
Variant type: single nucleotide variant.
Coding change: c.6461C>T on transcript NM_001367624.2 (MANE Select); coding-DNA position 6461, C replaced by T.
Protein change: p.Pro2154Leu; replaces proline 2154 with leucine.
Molecular consequence: missense variant.
Genome position (GRCh38, 1-based): chr16:88,433,931, C>T. VCF-style: chr16-88433931-C-T. GRCh37 (hg19) VCF-style: chr16-88500339-C-T.
Other names: NM_001127464.1:c.6377C>T; short protein forms P2154L.
Identifiers: ClinVar variation 424283 (VCV000424283.27), dbSNP rs950986305, ClinGen allele CA16620283.

ClinVar aggregate classification (germline): Conflicting classifications of pathogenicity. Review status: criteria provided, conflicting classifications (1 of 4 stars). 3 submissions from 3 submitters: Uncertain significance (2); Likely benign (1). Last evaluated 2022-08-08.

Allele frequency attached by ClinVar (database versions not stated): gnomAD 0.00003; gnomAD exomes 0.00003; TOPMed 0.00005.
gnomAD v4.1: 45 of 1,549,758 alleles (0.0029%); highest among the groups gnomAD compares: East Asian, 0.0073%; 1 homozygote.

Submissions (3):

Labcorp Genetics (formerly Invitae), Labcorp
Classification: Uncertain significance. Last evaluated: 2022-08-08. Review status: criteria provided, single submitter. Criteria: Invitae Variant Classification Sherloc (09022015). Collection method: clinical testing. Allele origin: germline.
Comment: This sequence change replaces proline, which is neutral and non-polar, with leucine, which is neutral and non-polar, at codon 2126 of the ZNF469 protein (p.Pro2126Leu). This variant is present in population databases (no rsID available, gnomAD 0.01%). This variant has not been reported in the literature in individuals affected with ZNF469-related conditions. ClinVar contains an entry for this variant (Variation ID: 424283). Algorithms developed to predict the effect of missense changes on protein structure and function output the following: SIFT: "Deleterious"; PolyPhen-2: "Benign"; Align-GVGD: "Class C0". The leucine amino acid residue is found in multiple mammalian species, which suggests that this missense change does not adversely affect protein function. In summary, the available evidence is currently insufficient to determine the role of this variant in disease. Therefore, it has been classified as a Variant of Uncertain Significance.

CeGaT Center for Human Genetics Tuebingen
Classification: Likely benign. Last evaluated: 2022-04-01. Review status: criteria provided, single submitter. Criteria: CeGaT Center For Human Genetics Tuebingen Variant Classification Criteria Version 2. Collection method: clinical testing. Allele origin: germline. Affected: yes. Observed: 1 variant allele.
Comment: ZNF469: BP4

GeneDx
Classification: Uncertain significance. Last evaluated: 2020-03-25. Review status: criteria provided, single submitter. Criteria: GeneDx Variant Classification Process June 2021. Collection method: clinical testing. Allele origin: germline. Affected: yes.
Comment: Not observed at a significant frequency in large population cohorts (Lek et al., 2016); In silico analysis supports that this missense variant does not alter protein structure/function; Has not been previously published as pathogenic or benign to our knowledge